The following is an entry in ClinVar:

ClinVar aggregate classification (germline): Uncertain significance (1 of 4 stars; one submission).

Allele frequency attached by ClinVar (database versions not stated): gnomAD exomes 0.00001.

Submission:

Labcorp Genetics (formerly Invitae), Labcorp
Classification: Uncertain significance. Last evaluated: 2021-07-14. Review status: criteria provided, single submitter. Criteria: Invitae Variant Classification Sherloc (09022015). Collection method: clinical testing. Allele origin: germline.
Comment: This sequence change replaces serine with glycine at codon 560 of the RECQL protein (p.Ser560Gly). The serine residue is highly conserved and there is a small physicochemical difference between serine and glycine. This variant is not present in population databases (ExAC no frequency). This variant has not been reported in the literature in individuals affected with RECQL-related conditions. Algorithms developed to predict the effect of missense changes on protein structure and function are either unavailable or do not agree on the potential impact of this missense change (SIFT: "Tolerated"; PolyPhen-2: "Probably Damaging"; Align-GVGD: "Class C0"). In summary, the available evidence is currently insufficient to determine the role of this variant in disease. Therefore, it has been classified as a Variant of Uncertain Significance.

NM_002907.4(RECQL):c.1678A>G (p.Ser560Gly)

Genes: PYROXD1 (pyridine nucleotide-disulphide oxidoreductase domain 1; plus strand), RECQL (RecQ like helicase; minus strand). Cytogenetic location: 12p12.1.
Variant type: single nucleotide variant.
Coding change: c.1678A>G on transcript NM_002907.4 (MANE Select); coding-DNA position 1678, A replaced by G.
Protein change: p.Ser560Gly; replaces serine 560 with glycine.
Molecular consequence: missense variant. On other transcripts: 3 prime UTR variant (3).
Genome position (GRCh38, 1-based): chr12:21,471,088, T>C on the plus strand (A>G on the coding strand, the complement: RECQL is on the minus strand). VCF-style: chr12-21471088-T-C. GRCh37 (hg19) VCF-style: chr12-21624022-T-C.
Other names: c.1678A>G, p.Ser560Gly (NM_032941.3); c.*2334T>C (NM_001350912.2, NM_001350913.2, NM_024854.5); short protein forms S560G.
Identifiers: ClinVar variation 1367447 (VCV001367447.8), dbSNP rs1211995666, ClinGen allele CA384114767.